The following is an entry in ClinVar:

ClinVar aggregate classification (germline): Conflicting classifications of pathogenicity. Review status: criteria provided, conflicting classifications (1 of 4 stars). 7 submissions from 7 submitters: Uncertain significance (4); Likely benign (3). Last evaluated 2026-06-22.

Conditions:
Hereditary cancer-predisposing syndrome. Also called: Tumor predisposition; Neoplastic Syndromes, Hereditary; Hereditary neoplastic syndrome; Hereditary Cancer Syndrome. Identifiers: Orphanet 140162, MedGen C0027672, MeSH D009386, MONDO:0015356.
Retinoblastoma (RB1). Also called: RETINOBLASTOMA, SOMATIC. Identifiers: Orphanet 790, MedGen C0035335, MeSH D012175, MONDO:0008380, OMIM 180200, HP:0009919. Disease mechanism: loss of function. Inheritance: Both sporadic and heritable forms are tested..

Allele frequency attached by ClinVar (database versions not stated): ExAC 0.00005; gnomAD exomes 0.00003 and 0.00002; gnomAD 0.00001; TOPMed 0.00001; 1000 Genomes Project 30x 0.00016; 1000 Genomes Project 0.00020.
gnomAD v4.1: 24 of 1,613,642 alleles (0.0015%); highest among the groups gnomAD compares: East Asian, 0.0045%; no homozygotes.

Submissions (7):

Myriad Genetics, Inc.
Classification: Likely benign for Retinoblastoma. Last evaluated: 2026-06-22. Review status: criteria provided, single submitter. Criteria: Myriad Autosomal Dominant, Autosomal Recessive and X-Linked Classification Criteria (2023). Collection method: clinical testing. Allele origin: unknown.
Comment: This variant is considered likely benign. This variant has been observed at a population frequency that is significantly greater than expected given the associated disease prevalence and penetrance.

Labcorp Genetics (formerly Invitae), Labcorp
Classification: Likely benign for Retinoblastoma. Last evaluated: 2025-08-31. Review status: criteria provided, single submitter. Criteria: Invitae Variant Classification Sherloc (09022015). Collection method: clinical testing. Allele origin: germline.

Center for Genomic Medicine, Rigshospitalet, Copenhagen University Hospital
Classification: Uncertain significance. Last evaluated: 2025-03-04. Review status: criteria provided, single submitter. Criteria: ACMG Guidelines, 2015. Collection method: clinical testing. Allele origin: germline.

GeneDx
Classification: Uncertain significance. Last evaluated: 2024-12-26. Review status: criteria provided, single submitter. Criteria: GeneDx Variant Classification Process June 2021. Collection method: clinical testing. Allele origin: germline. Affected: yes.
Comment: In silico analysis indicates that this missense variant does not alter protein structure/function; Has not been previously published as pathogenic or benign to our knowledge; This variant is associated with the following publications: (PMID: 23516486, 20694007)

All of Us Research Program, National Institutes of Health
Classification: Uncertain significance for Retinoblastoma. Last evaluated: 2024-07-29. Review status: criteria provided, single submitter. Criteria: ACMG Guidelines, 2015. Collection method: clinical testing. Allele origin: germline. Inheritance: Autosomal dominant inheritance. Observed: 8 variant alleles, 8 heterozygotes.
Comment: This missense variant replaces arginine with cysteine at codon 876 of the RB1 protein. Computational prediction is inconclusive regarding the impact of this variant on protein structure and function (internally defined REVEL score threshold 0.5 < inconclusive < 0.7, PMID: 27666373). To our knowledge, functional studies have not been reported for this variant. This variant has not been reported in individuals affected with RB1-related disorders in the literature. This variant has been identified in 8/251336 chromosomes in the general population by the Genome Aggregation Database (gnomAD). The available evidence is insufficient to determine the role of this variant in disease conclusively. Therefore, this variant is classified as a Variant of Uncertain Significance.

This study involves interpretation of variants in research participants for the purpose of population health screening. Participant phenotype was not available at the time of variant classification. Additional details can be found in publication PMID: 35346344, PMCID: PMC8962531

Ambry Genetics
Classification: Likely benign for Hereditary cancer-predisposing syndrome. Last evaluated: 2021-12-16. Review status: criteria provided, single submitter. Criteria: Ambry Variant Classification Scheme 2023. Collection method: clinical testing. Allele origin: germline.

Eurofins Ntd Llc (ga)
Classification: Uncertain significance. Last evaluated: 2013-08-12. Review status: criteria provided, single submitter. Criteria: EGL Classification Definitions 2015. Collection method: clinical testing. Allele origin: germline. Observed: 1 variant allele, 1 heterozygote.

NM_000321.3(RB1):c.2626C>T (p.Arg876Cys)

Gene: RB1 (RB transcriptional corepressor 1; plus strand). Cytogenetic location: 13q14.2.
Variant type: single nucleotide variant.
Coding change: c.2626C>T on transcript NM_000321.3 (MANE Select); coding-DNA position 2626, C replaced by T.
Protein change: p.Arg876Cys; replaces arginine 876 with cysteine.
Molecular consequence: missense variant.
Genome position (GRCh38, 1-based): chr13:48,476,806, C>T. VCF-style: chr13-48476806-C-T. GRCh37 (hg19) VCF-style: chr13-49050942-C-T.
Identifiers: ClinVar variation 92842 (VCV000092842.24), dbSNP rs143105337, ClinGen allele CA026444.
Genomic context (GRCh38, chr13:48,476,806, plus strand): 5'-GACCGTGTGCTCAAAAGAAGTGCTGAAGGAAGCAACCCTCCTAAACCACTGAAAAAACTA[C>T]GCTTTGATATTGAAGGATCAGATGAAGCAGATGGAAGGTAGGAACCAGTTTTGAATGTTT-3'
Protein context (NP_000312.2, residues 866-886): SNPPKPLKKL[Arg876Cys]FDIEGSDEAD